The following is an entry in ClinVar:

NM_001033855.3(DCLRE1C):c.1893C>T (p.Pro631=)

Gene: DCLRE1C (DNA cross-link repair 1C; minus strand). Cytogenetic location: 10p13.
Variant type: single nucleotide variant.
Coding change: c.1893C>T on transcript NM_001033855.3 (MANE Select); coding-DNA position 1893, C replaced by T.
Protein change: p.Pro631=; no amino-acid change (proline 631 retained).
Molecular consequence: synonymous variant. On other transcripts: non-coding transcript variant (3), intron variant (3).
Genome position (GRCh38, 1-based): chr10:14,908,594, G>A on the plus strand (C>T on the coding strand, the complement: DCLRE1C is on the minus strand). VCF-style: chr10-14908594-G-A. GRCh37 (hg19) VCF-style: chr10-14950593-G-A.
Other names: p.P631P:CCC>CCT; c.1533C>T, p.Pro511= (NM_001033857.3, NM_001033858.3, NM_001289077.2 and 1 more transcripts); c.1548C>T, p.Pro516= (NM_001289076.2, NM_001289078.2, NM_022487.4); c.1437+111C>T (NM_001350966.2); c.1782+111C>T (NM_001350965.2); c.1422+111C>T (NM_001350967.2).
Identifiers: ClinVar variation 137075 (VCV000137075.55), dbSNP rs41300676, ClinGen allele CA201131.

ClinVar aggregate classification (germline): Benign/Likely benign. Review status: criteria provided, multiple submitters, no conflicts (2 of 4 stars). 11 submissions from 11 submitters: Benign (3); Likely benign (5). 3 of the submissions do not count toward it. Last evaluated 2026-09-01.

Conditions:
Histiocytic medullary reticulosis. Also called: SEVERE COMBINED IMMUNODEFICIENCY WITH HYPEREOSINOPHILIA; Omenn syndrome. Identifiers: Orphanet 39041, MedGen C2700553, MONDO:0011338, OMIM 603554.
Severe combined immunodeficiency due to DCLRE1C deficiency (RS-SCID). Also called: SCID, AUTOSOMAL RECESSIVE, T CELL-NEGATIVE, B CELL-NEGATIVE, NK CELL-POSITIVE, WITH SENSITIVITY TO IONIZING RADIATION. Identifiers: Orphanet 275, MedGen C1865371, MONDO:0011225, OMIM 602450.

Allele frequency attached by ClinVar (database versions not stated): 1000 Genomes Project 0.00220; 1000 Genomes Project 30x 0.00265; ExAC 0.00334; gnomAD exomes 0.00375; gnomAD 0.00434 and 0.00441; TOPMed 0.00472; ESP Exome Variant Server 0.00477.
gnomAD v4.1: 8,967 of 1,614,068 alleles (0.56%); highest among the groups gnomAD compares: Non-Finnish European, 0.66%; 32 homozygotes.

Submissions (11):

CeGaT Center for Human Genetics Tuebingen
Classification: Likely benign. Last evaluated: 2026-09-01. Review status: criteria provided, single submitter. Criteria: CeGaT Center For Human Genetics Tuebingen Variant Classification Criteria Version 2. Collection method: clinical testing. Allele origin: germline. Affected: yes. Observed: 9 variant alleles.
Comment: DCLRE1C: BP4, BP7, BS2

Labcorp Genetics (formerly Invitae), Labcorp
Classification: Benign for Athabaskan severe combined immunodeficiency. Last evaluated: 2026-02-03. Review status: criteria provided, single submitter. Criteria: Invitae Variant Classification Sherloc (09022015). Collection method: clinical testing. Allele origin: germline.

ARUP Laboratories, Molecular Genetics and Genomics, ARUP Laboratories
Classification: Likely benign. Last evaluated: 2025-05-15. Review status: criteria provided, single submitter. Criteria: ARUP Molecular Germline Variant Investigation Process 2024. Collection method: clinical testing. Allele origin: germline.

Fulgent Genetics
Classification: Likely benign for Severe combined immunodeficiency due to DCLRE1C deficiency; Histiocytic medullary reticulosis. Last evaluated: 2022-03-17. Review status: criteria provided, single submitter. Criteria: ACMG Guidelines, 2015. Collection method: clinical testing. Allele origin: unknown.

Illumina Laboratory Services, Illumina
Classification: Likely benign for Histiocytic medullary reticulosis. Last evaluated: 2018-01-12. Review status: criteria provided, single submitter. Criteria: ICSL Variant Classification Criteria 13 December 2019. Collection method: clinical testing. Allele origin: germline.
Comment: This variant was observed in the ICSL laboratory as part of a predisposition screen in an ostensibly healthy population. It had not been previously curated by ICSL or reported in the Human Gene Mutation Database (HGMD: prior to June 1st, 2018), and was therefore a candidate for classification through an automated scoring system. Utilizing variant allele frequency, disease prevalence and penetrance estimates, and inheritance mode, an automated score was calculated to assess if this variant is too frequent to cause the disease. Based on the score and internal cut-off values, a variant classified as likely benign is not then subjected to further curation. The score for this variant resulted in a classification of likely benign for this disease.

Eurofins Ntd Llc (ga)
Classification: Benign. Last evaluated: 2014-10-24. Review status: criteria provided, single submitter. Criteria: EGL Classification Definitions 2015. Collection method: clinical testing. Allele origin: germline. Observed: 1 variant allele, 1 heterozygote.

GeneDx
Classification: Benign. Last evaluated: 2013-08-05. Review status: criteria provided, single submitter. Criteria: GeneDx Variant Classification (06012015). Collection method: clinical testing. Allele origin: germline. Affected: yes.
Comment: This variant is considered likely benign or benign based on one or more of the following criteria: it is a conservative change, it occurs at a poorly conserved position in the protein, it is predicted to be benign by multiple in silico algorithms, and/or has population frequency not consistent with disease.

Breakthrough Genomics
Classification: Likely benign. Review status: criteria provided, single submitter. Criteria: ACMG Guidelines, 2015. Collection method: not provided. Allele origin: germline. Inheritance: Autosomal recessive inheritance. Affected: yes.

Natera, Inc.
Classification: Benign for Omenn syndrome. Last evaluated: 2020-09-16. Review status: no assertion criteria provided. Collection method: clinical testing. Allele origin: germline. Not counted in ClinVar's aggregate classification.

Clinical Genetics DNA and cytogenetics Diagnostics Lab, Erasmus MC, Erasmus Medical Center
Classification: Benign. Review status: no assertion criteria provided. Collection method: clinical testing. Allele origin: germline. Affected: yes. Study: VKGL Data-share Consensus. Not counted in ClinVar's aggregate classification.

Genome Diagnostics Laboratory, University Medical Center Utrecht
Classification: Likely benign. Review status: no assertion criteria provided. Collection method: clinical testing. Allele origin: germline. Affected: yes. Study: VKGL Data-share Consensus. Not counted in ClinVar's aggregate classification.